The following is an entry in ClinVar:

NM_005027.4(PIK3R2):c.1010+3A>G

Gene: PIK3R2 (phosphoinositide-3-kinase regulatory subunit 2; plus strand). Cytogenetic location: 19p13.11.
Variant type: single nucleotide variant.
Coding change: c.1010+3A>G on transcript NM_005027.4 (MANE Select); 3 bases into the intron after coding-DNA position 1010, A replaced by G.
Molecular consequence: intron variant.
Genome position (GRCh38, 1-based): chr19:18,162,313, A>G. VCF-style: chr19-18162313-A-G. GRCh37 (hg19) VCF-style: chr19-18273123-A-G.
Identifiers: ClinVar variation 4819445 (VCV004819445.1).
Genomic context (GRCh38, chr19:18,162,313, plus strand): 5'-ATGGAGGGAGCCCACCCTCCCTGCAGGATGCTGAGTGGTACTGGGGGGACATTTCAAGGT[A>G]GGTTGCTGGCAGGGGGCCAGGGACCAAGGAGGTGTCACAGGGTGAGCGGGGTCTCCAGGT-3'

ClinVar aggregate classification (germline): Likely benign (1 of 4 stars; one submission).

Conditions:
Megalencephaly-polymicrogyria-polydactyly-hydrocephalus syndrome 1 (MPPH1). Also called: MEGALENCEPHALY, MEGA CORPUS CALLOSUM, AND COMPLETE LACK OF MOTOR DEVELOPMENT; MEGALENCEPHALY, POLYMICROGYRIA, MEGA CORPUS CALLOSUM SYNDROME. Identifiers: Orphanet 83473, MedGen C4012727, MONDO:0011313, OMIM 603387.

Submission:

Centre for Medical Genetics,  Mumbai
Classification: Likely benign for Megalencephaly-polymicrogyria-polydactyly-hydrocephalus syndrome 1. Last evaluated: 2026-03-13. Review status: criteria provided, single submitter. Criteria: ACMG Guidelines, 2015. Collection method: provider interpretation. Allele origin: germline. Inheritance: Autosomal dominant inheritance. Affected: no. Observed: 1 variant allele, 1 heterozygote.
Comment: The variant satisfies PM2 criteria; Extremely low frequency in gnomAD population databases. The variant satisfies PP3 criteria; For a missense or a splicing region variant, computational prediction tools unanimously support a deleterious effect on the gene. However, the variant satisfies BS2 criteria; present in heterozygous state in an individual that clinically does not have Megalencephaly-polymicrogyria-polydactyly-hydrocephalus syndrome 1.

Literature cited by the submitters: PubMed 22729224.